The following is an entry in ClinVar:

ClinVar aggregate classification (germline): Uncertain significance (1 of 4 stars; one submission).

Submission:

CeGaT Center for Human Genetics Tuebingen
Classification: Uncertain significance. Last evaluated: 2026-07-01. Review status: criteria provided, single submitter. Criteria: CeGaT Center For Human Genetics Tuebingen Variant Classification Criteria Version 2. Collection method: clinical testing. Allele origin: germline. Affected: yes. Observed: 1 variant allele.
Comment: NOTCH2: PM2, PM4

NM_024408.4(NOTCH2):c.6365_6382dup (p.Lys2127_Gly2128insGluAlaLysAspAlaLys)

Gene: NOTCH2 (notch receptor 2; minus strand). Cytogenetic location: 1p12.
Variant type: Duplication.
Coding change: c.6365_6382dup on transcript NM_024408.4 (MANE Select); coding-DNA positions 6365 to 6382, 18 bases duplicated (AGGCAAAGGATGCCAAGG).
Protein change: p.Lys2127_Gly2128insGluAlaLysAspAlaLys.
Genome position (GRCh38, 1-based): chr1:119,916,340-119,916,357, CCTTGGCATCCTTTGCCT duplicated on the plus strand (AGGCAAAGGATGCCAAGG on the coding strand, the reverse complement: NOTCH2 is on the minus strand); duplicating any 18 consecutive bases within chr1:119,916,340-119,916,365 gives the same sequence; the c. name uses the placement nearest the transcript's 3' end. VCF-style (leftmost placement, unchanged base first): chr1-119916339-C-CCCTTGGCATCCTTTGCCT. GRCh37 (hg19) VCF-style: chr1-120458962-C-CCCTTGGCATCCTTTGCCT.
Identifiers: ClinVar variation 5040109 (VCV005040109.1).